The following is an entry in ClinVar:

ClinVar aggregate classification (germline): Pathogenic (1 of 4 stars; one submission).

Conditions:
Osteogenesis imperfecta type 8 (OI8). Identifiers: MedGen C1970458, MONDO:0012581, OMIM 610915.

Allele frequency attached by ClinVar (database versions not stated): gnomAD exomes below 0.00001; TOPMed below 0.00001.

Submission:

Labcorp Genetics (formerly Invitae), Labcorp
Classification: Pathogenic for Osteogenesis imperfecta type 8. Last evaluated: 2025-04-22. Review status: criteria provided, single submitter. Criteria: Invitae Variant Classification Sherloc (09022015). Collection method: clinical testing. Allele origin: germline.
Comment: This sequence change creates a premature translational stop signal (p.Glu139Aspfs*45) in the P3H1 gene. It is expected to result in an absent or disrupted protein product. Loss-of-function variants in P3H1 are known to be pathogenic (PMID: 17277775, 18566967, 19088120, 22281939). This variant is not present in population databases (gnomAD no frequency). This variant has not been reported in the literature in individuals affected with P3H1-related conditions. ClinVar contains an entry for this variant (Variation ID: 2190191). For these reasons, this variant has been classified as Pathogenic.

Literature cited by the submitters: PubMed 17277775; PubMed 18566967; PubMed 19088120; PubMed 22281939.

NM_022356.4(P3H1):c.417del (p.Glu139fs)

Gene: P3H1 (prolyl 3-hydroxylase 1; minus strand). Cytogenetic location: 1p34.2.
Variant type: Deletion.
Coding change: c.417del on transcript NM_022356.4 (MANE Select); coding-DNA position 417, one base deleted (G; older notation c.417delG).
Protein change: p.Glu139fs; shifts the reading frame from glutamic acid 139.
Molecular consequence: frameshift variant.
Genome position (GRCh38, 1-based): chr1:42,766,555, C deleted on the plus strand (G on the coding strand, the reverse complement: P3H1 is on the minus strand). VCF-style (leftmost placement, unchanged base first): chr1-42766554-AC-A. GRCh37 (hg19) VCF-style: chr1-43232225-AC-A.
Other names: c.417del, p.Glu139fs (NM_001146289.2, NM_001243246.2); short protein forms E139fs.
Identifiers: ClinVar variation 2190191 (VCV002190191.4), dbSNP rs1653010161, ClinGen allele CA1165346527.